The following is an entry in ClinVar:

ClinVar aggregate classification (germline): Pathogenic (1 of 4 stars; one submission).

Submission:

Labcorp Genetics (formerly Invitae), Labcorp
Classification: Pathogenic. Last evaluated: 2022-08-22. Review status: criteria provided, single submitter. Criteria: Invitae Variant Classification Sherloc (09022015). Collection method: clinical testing. Allele origin: germline.
Comment: This sequence change creates a premature translational stop signal (p.Ser305Profs*3) in the RUNX2 gene. It is expected to result in an absent or disrupted protein product. Loss-of-function variants in RUNX2 are known to be pathogenic (PMID: 10521292, 11857736). For these reasons, this variant has been classified as Pathogenic. This premature translational stop signal has been observed in individual(s) with cleidocranial dysplasia (PMID: 26402641). This variant is not present in population databases (gnomAD no frequency).

Literature cited by the submitters: PubMed 10521292; PubMed 11857736; PubMed 26402641.

NM_001024630.4(RUNX2):c.912del (p.Ser305fs)

Gene: RUNX2 (RUNX family transcription factor 2; plus strand). Cytogenetic location: 6p21.1.
Variant type: Deletion.
Coding change: c.912del on transcript NM_001024630.4 (MANE Select); coding-DNA position 912, one base deleted (C; older notation c.912delC).
Protein change: p.Ser305fs; shifts the reading frame from serine 305.
Molecular consequence: frameshift variant.
Genome position (GRCh38, 1-based): chr6:45,512,298, C deleted; the last of 4 consecutive C bases (chr6:45,512,295-45,512,298); deleting any one gives the same sequence. VCF-style (leftmost placement, unchanged base first): chr6-45512294-AC-A. GRCh37 (hg19) VCF-style: chr6-45480031-AC-A.
Other names: c.912del, p.Ser305fs (NM_001015051.4); c.870del, p.Ser291fs (NM_001278478.2, NM_001369405.1); c.870delC, p.Ser291Profs (NM_004348.3); short protein forms S291fs, S305fs.
Identifiers: ClinVar variation 2026235 (VCV002026235.4), dbSNP rs2548650306, ClinGen allele CA2580074689.
Genomic context (GRCh38, chr6:45,512,294, plus strand): 5'-TCTTTTTCCCAGACCCCAGGCAGGCACAGTCTTCCCCGCCGTGGTCCTATGACCAGTCTT[AC>A]CCCTCCTACCTGAGCCAGATGACGTCCCCGTCCATCCACTCTACCACCCCGCTGTCTTCC-3'